The following is an entry in ClinVar:

NM_001252024.2(TRPM1):c.378T>C (p.His126=)

Gene: TRPM1 (transient receptor potential cation channel subfamily M member 1; minus strand). Cytogenetic location: 15q13.3.
Variant type: single nucleotide variant.
Coding change: c.378T>C on transcript NM_001252024.2 (MANE Select); coding-DNA position 378, T replaced by C.
Protein change: p.His126=; no amino-acid change (histidine 126 retained).
Molecular consequence: synonymous variant.
Genome position (GRCh38, 1-based): chr15:31,067,994, A>G on the plus strand (T>C on the coding strand, the complement: TRPM1 is on the minus strand). VCF-style: chr15-31067994-A-G. GRCh37 (hg19) VCF-style: chr15-31360197-A-G.
Other names: c.429T>C, p.His143= (NM_001252020.2); c.312T>C, p.His104= (NM_002420.6); c.429T>C (NM_001252020.1).
Identifiers: ClinVar variation 315535 (VCV000315535.13), dbSNP rs769783908, ClinGen allele CA7452962.

ClinVar aggregate classification (germline): Conflicting classifications of pathogenicity. Review status: criteria provided, conflicting classifications (1 of 4 stars). 3 submissions from 3 submitters: Uncertain significance (1); Likely benign (2). Last evaluated 2025-12-29.

Conditions:
Congenital stationary night blindness 1C. Also called: Night blindness, congenital stationary (complete), 1C, autosomal recessive. Identifiers: Orphanet 215, MedGen C2750747, MONDO:0013183, OMIM 613216.
TRPM1-related disorder. Also called: TRPM1-related condition.

Allele frequency attached by ClinVar (database versions not stated): TOPMed 0.00001; gnomAD exomes 0.00002 and 0.00006; ExAC 0.00007; gnomAD 0.00001.
gnomAD v4.1: 16 of 1,614,098 alleles (0.00099%); highest among the groups gnomAD compares: Admixed American, 0.022%; no homozygotes.

Submissions (3):

PreventionGenetics, part of Exact Sciences
Classification: Likely benign for TRPM1-related condition. Last evaluated: 2025-12-29. Review status: criteria provided, single submitter. Criteria: ACMG Guidelines, 2015. Collection method: clinical testing. Allele origin: germline.
Comment: This variant is classified as likely benign based on ACMG/AMP sequence variant interpretation guidelines (Richards et al. 2015 PMID: 25741868, with internal and published modifications).

Labcorp Genetics (formerly Invitae), Labcorp
Classification: Likely benign. Last evaluated: 2025-12-09. Review status: criteria provided, single submitter. Criteria: Invitae Variant Classification Sherloc (09022015). Collection method: clinical testing. Allele origin: germline.

Illumina Laboratory Services, Illumina
Classification: Uncertain significance for Congenital stationary night blindness 1C. Last evaluated: 2018-01-12. Review status: criteria provided, single submitter. Criteria: ICSL Variant Classification Criteria 13 December 2019. Collection method: clinical testing. Allele origin: germline.